The following is an entry in ClinVar:

ClinVar aggregate classification (germline): Uncertain significance (1 of 4 stars; one submission).

gnomAD v4.1: 1 of 1,613,338 alleles (0.000062%); highest among the groups gnomAD compares: Non-Finnish European, 0.000085%; no homozygotes.

Submission:

Ambry Genetics
Classification: Uncertain significance. Last evaluated: 2025-06-21. Review status: criteria provided, single submitter. Criteria: Ambry Variant Classification Scheme 2023. Collection method: clinical testing. Allele origin: germline.
Comment: The p.L46P variant (also known as c.137T>C), located in coding exon 1 of the MC1R gene, results from a T to C substitution at nucleotide position 137. The leucine at codon 46 is replaced by proline, an amino acid with similar properties. This amino acid position is conserved. In addition, this alteration is predicted to be deleterious by in silico analysis. Based on the available evidence, the clinical significance of this variant remains unclear.

NM_002386.4(MC1R):c.137T>C (p.Leu46Pro)

Gene: MC1R (melanocortin 1 receptor; plus strand). Cytogenetic location: 16q24.3.
Variant type: single nucleotide variant.
Coding change: c.137T>C on transcript NM_002386.4 (MANE Select); coding-DNA position 137, T replaced by C.
Protein change: p.Leu46Pro; replaces leucine 46 with proline.
Molecular consequence: missense variant.
Genome position (GRCh38, 1-based): chr16:89,919,395, T>C. VCF-style: chr16-89919395-T-C. GRCh37 (hg19) VCF-style: chr16-89985803-T-C.
Other names: short protein forms L46P.
Identifiers: ClinVar variation 4104844 (VCV004104844.1).